The following is an entry in ClinVar:

NM_016529.6(ATP8A2):c.713T>G (p.Ile238Arg)

Gene: ATP8A2 (ATPase phospholipid transporting 8A2). Cytogenetic location: 13q12.13.
Variant type: single nucleotide variant.
Coding change: c.713T>G on transcript NM_016529.6 (MANE Select); coding-DNA position 713, T replaced by G.
Protein change: p.Ile238Arg; replaces isoleucine 238 with arginine.
Molecular consequence: missense variant.
Genome position (GRCh38, 1-based): chr13:25,541,980, T>G. VCF-style: chr13-25541980-T-G. GRCh37 (hg19) VCF-style: chr13-26116118-T-G.
Other names: c.593T>G, p.Ile198Arg (NM_001313741.1); short protein forms I198R, I238R.
Identifiers: ClinVar variation 1695596 (VCV001695596.3), dbSNP rs753093607, ClinGen allele CA6922698.

ClinVar aggregate classification (germline): Uncertain significance (1 of 4 stars; one submission).

Allele frequency attached by ClinVar (database versions not stated): TOPMed 0.00001; gnomAD exomes below 0.00001; ExAC 0.00001; gnomAD 0.00001.

Submission:

GeneDx
Classification: Uncertain significance. Last evaluated: 2025-02-14. Review status: criteria provided, single submitter. Criteria: GeneDx Variant Classification Process June 2021. Collection method: clinical testing. Allele origin: germline. Affected: yes.
Comment: In silico analysis supports that this missense variant has a deleterious effect on protein structure/function; Has not been previously published as pathogenic or benign to our knowledge